The following is an entry in ClinVar:

ClinVar aggregate classification (germline): Uncertain significance (1 of 4 stars; one submission).

Conditions:
Mendelian susceptibility to mycobacterial diseases due to complete ISG15 deficiency. Also called: Immunodeficiency 38; IMMUNODEFICIENCY 38, MYCOBACTERIOSIS, AUTOSOMAL RECESSIVE; ISG15 DEFICIENCY, AUTOSOMAL RECESSIVE; Immunodeficiency 38 with basal ganglia calcification. Identifiers: Orphanet 319563, MedGen C4015293, MONDO:0014502, OMIM 616126.

gnomAD v4.1: 5 of 1,613,522 alleles (0.00031%); highest among the groups gnomAD compares: Middle Eastern, 0.017%; no homozygotes.

Submission:

Labcorp Genetics (formerly Invitae), Labcorp
Classification: Uncertain significance for Mendelian susceptibility to mycobacterial diseases due to complete ISG15 deficiency. Last evaluated: 2021-07-19. Review status: criteria provided, single submitter. Criteria: Invitae Variant Classification Sherloc (09022015). Collection method: clinical testing. Allele origin: germline.
Comment: In summary, the available evidence is currently insufficient to determine the role of this variant in disease. Therefore, it has been classified as a Variant of Uncertain Significance. Algorithms developed to predict the effect of missense changes on protein structure and function (SIFT, PolyPhen-2, Align-GVGD) all suggest that this variant is likely to be tolerated, but these predictions have not been confirmed by published functional studies and their clinical significance is uncertain. This variant has not been reported in the literature in individuals with ISG15-related conditions. This variant is not present in population databases (ExAC no frequency). This sequence change replaces glutamic acid with lysine at codon 127 of the ISG15 protein (p.Glu127Lys). The glutamic acid residue is moderately conserved and there is a small physicochemical difference between glutamic acid and lysine.

NM_005101.4(ISG15):c.379G>A (p.Glu127Lys)

Gene: ISG15 (ISG15 ubiquitin like modifier; plus strand). Cytogenetic location: 1p36.33.
Variant type: single nucleotide variant.
Coding change: c.379G>A on transcript NM_005101.4 (MANE Select); coding-DNA position 379, G replaced by A.
Protein change: p.Glu127Lys; replaces glutamic acid 127 with lysine.
Molecular consequence: missense variant.
Genome position (GRCh38, 1-based): chr1:1,014,359, G>A. VCF-style: chr1-1014359-G-A. GRCh37 (hg19) VCF-style: chr1-949739-G-A.
Other names: c.379G>A, p.Glu127Lys (LRG_1231t1); short protein forms E127K.
Identifiers: ClinVar variation 648609 (VCV000648609.8), dbSNP rs672601312, ClinGen allele CA337805402.